The following is an entry in ClinVar:

ClinVar aggregate classification (germline): Likely benign. Review status: criteria provided, single submitter (1 of 4 stars). 2 submissions from 2 submitters: Likely benign (1). 1 of the submissions does not count toward it. Last evaluated 2023-08-23.

Conditions:
LNPK-related disorder. Also called: LNPK-related condition.

Allele frequency attached by ClinVar (database versions not stated): gnomAD exomes 0.00003; gnomAD 0.00009; TOPMed 0.00011; ExAC 0.00015; 1000 Genomes Project 0.00060; 1000 Genomes Project 30x 0.00062.
gnomAD v4.1: 58 of 1,596,392 alleles (0.0036%); highest among the groups gnomAD compares: East Asian, 0.11%; no homozygotes.

Submissions (2):

Blueprint Genetics
Classification: Likely benign. Last evaluated: 2023-08-23. Review status: criteria provided, single submitter. Criteria: ACMG Guidelines, 2015. Collection method: clinical testing. Allele origin: germline.

PreventionGenetics, part of Exact Sciences
Classification: Likely benign for LNPK-related condition. Last evaluated: 2020-10-14. Review status: no assertion criteria provided. Collection method: clinical testing. Allele origin: germline. Not counted in ClinVar's aggregate classification.
Comment: This variant is classified as likely benign based on ACMG/AMP sequence variant interpretation guidelines (Richards et al. 2015 PMID: 25741868, with internal and published modifications).

NM_030650.3(LNPK):c.366A>G (p.Glu122=)

Gene: LNPK (lunapark, ER junction formation factor; minus strand). Cytogenetic location: 2q31.1.
Variant type: single nucleotide variant.
Coding change: c.366A>G on transcript NM_030650.3 (MANE Select); coding-DNA position 366, A replaced by G.
Protein change: p.Glu122=; no amino-acid change (glutamic acid 122 retained).
Molecular consequence: synonymous variant. On other transcripts: 5 prime UTR variant (1), non-coding transcript variant (1).
Genome position (GRCh38, 1-based): chr2:175,964,581, T>C on the plus strand (A>G on the coding strand, the complement: LNPK is on the minus strand). VCF-style: chr2-175964581-T-C. GRCh37 (hg19) VCF-style: chr2-176829309-T-C.
Other names: c.564A>G, p.Glu188= (NM_001305008.1); c.366A>G, p.Glu122= (NM_001305009.1); c.372A>G, p.Glu124= (NM_001305010.1); c.-4A>G (NM_001305011.2).
Identifiers: ClinVar variation 3033046 (VCV003033046.3), dbSNP rs373996507, ClinGen allele CA1976013.